The following is an entry in ClinVar:

NM_000535.7(PMS2):c.136A>G (p.Ser46Gly)

Gene: PMS2 (PMS1 homolog 2, mismatch repair system component; minus strand). Cytogenetic location: 7p22.1.
Variant type: single nucleotide variant.
Coding change: c.136A>G on transcript NM_000535.7 (MANE Select); coding-DNA position 136, A replaced by G.
Protein change: p.Ser46Gly; replaces serine 46 with glycine.
Molecular consequence: missense variant. On other transcripts: 5 prime UTR variant (8), non-coding transcript variant (1), intron variant (3).
Genome position (GRCh38, 1-based): chr7:6,005,919, T>C on the plus strand (A>G on the coding strand, the complement: PMS2 is on the minus strand). VCF-style: chr7-6005919-T-C. GRCh37 (hg19) VCF-style: chr7-6045550-T-C.
Other names: c.-270A>G (NM_001322003.2, NM_001322005.2, NM_001322009.2 and 1 more transcripts); c.136A>G, p.Ser46Gly (NM_001322006.2, NM_001322014.2); c.-80A>G (NM_001322007.2); c.-749A>G (NM_001322011.2, NM_001322012.2); c.-349A>G (NM_001322015.2); c.-52-1861A>G (NM_001322008.2); c.-242-1861A>G (NM_001322010.2, NM_001322004.2); short protein forms S46G.
Identifiers: ClinVar variation 525851 (VCV000525851.8), dbSNP rs1554306350, ClinGen allele CA366744994.

ClinVar aggregate classification (germline): Uncertain significance (1 of 4 stars; one submission).

Conditions:
Hereditary nonpolyposis colorectal neoplasms. Identifiers: MedGen C0009405, MeSH D003123.

Submission:

Labcorp Genetics (formerly Invitae), Labcorp
Classification: Uncertain significance for Hereditary nonpolyposis colorectal neoplasms. Last evaluated: 2024-03-11. Review status: criteria provided, single submitter. Criteria: Invitae Variant Classification Sherloc (09022015). Collection method: clinical testing. Allele origin: germline.
Comment: This sequence change replaces serine, which is neutral and polar, with glycine, which is neutral and non-polar, at codon 46 of the PMS2 protein (p.Ser46Gly). This variant is not present in population databases (gnomAD no frequency). This variant has not been reported in the literature in individuals affected with PMS2-related conditions. ClinVar contains an entry for this variant (Variation ID: 525851). Advanced modeling of protein sequence and biophysical properties (such as structural, functional, and spatial information, amino acid conservation, physicochemical variation, residue mobility, and thermodynamic stability) performed at Invitae indicates that this missense variant is expected to disrupt PMS2 protein function with a positive predictive value of 80%. This variant disrupts the p.Ser46 amino acid residue in PMS2. Other variant(s) that disrupt this residue have been determined to be pathogenic (PMID: 18602922, 22577899, 23709753, 24027009). This suggests that this residue is clinically significant, and that variants that disrupt this residue are likely to be disease-causing. In summary, the available evidence is currently insufficient to determine the role of this variant in disease. Therefore, it has been classified as a Variant of Uncertain Significance.

Literature cited by the submitters: PubMed 18602922; PubMed 22577899; PubMed 23709753; PubMed 24027009.